The following is an entry in ClinVar:

ClinVar aggregate classification (germline): Likely pathogenic (1 of 4 stars; one submission).

Conditions:
Alport syndrome. Also called: Hemorrhagic familial nephritis; Hemorrhagic hereditary nephritis; Congenital hereditary hematuria. Identifiers: Orphanet 63, MedGen C1567741, MONDO:0018965.

Submission:

Natera, Inc.
Classification: Likely pathogenic for Alport syndrome. Last evaluated: 2024-08-02. Review status: criteria provided, single submitter. Criteria: Natera Variant Classification Schema (03/2026). Collection method: clinical testing. Allele origin: germline.
Comment: The c.2374+1G>A variant in COL4A3 is a canonical splice donor site variant predicted to affect pre-mRNA splicing, which may result in an abnormal transcript and altered protein product. This variant is expected to result in nonsense mediated decay, truncation, or a dysfunctional protein product. This variant is rare in the general population with a frequency below the threshold expected for the associated phenotype(s). Given the available evidence, this variant is classified as Likely Pathogenic.

NM_000091.5(COL4A3):c.2374+1G>A

Genes: COL4A3 (collagen type IV alpha 3 chain; plus strand), MFF-DT (MFF divergent transcript; minus strand). Cytogenetic location: 2q36.3.
Variant type: single nucleotide variant.
Coding change: c.2374+1G>A on transcript NM_000091.5 (MANE Select); the canonical splice donor site of the intron after coding-DNA position 2374, G replaced by A.
Molecular consequence: splice donor variant.
Genome position (GRCh38, 1-based): chr2:227,280,591, G>A. VCF-style: chr2-227280591-G-A. GRCh37 (hg19) VCF-style: chr2-228145307-G-A.
Identifiers: ClinVar variation 4817219 (VCV004817219.1).